The following is an entry in ClinVar:

ClinVar aggregate classification (germline): Likely benign (1 of 4 stars; one submission).

Allele frequency attached by ClinVar (database versions not stated): 1000 Genomes Project 0.00140; 1000 Genomes Project 30x 0.00141; TOPMed 0.00497; gnomAD 0.00514; ExAC 0.00604; gnomAD exomes 0.00695.
gnomAD v4.1: 9,103 of 1,347,322 alleles (0.68%); highest among the groups gnomAD compares: Middle Eastern, 1.1%; 48 homozygotes.

Submission:

CeGaT Center for Human Genetics Tuebingen
Classification: Likely benign. Last evaluated: 2023-04-01. Review status: criteria provided, single submitter. Criteria: CeGaT Center For Human Genetics Tuebingen Variant Classification Criteria Version 2. Collection method: clinical testing. Allele origin: germline. Affected: yes. Observed: 2 variant alleles.
Comment: RPL27: BS2

NM_000988.5(RPL27):c.81+68G>A

Genes: RPL27 (ribosomal protein L27; plus strand), LOC126862570 (CDK7 strongly-dependent group 2 enhancer GRCh37_chr17:41149993-41151192; plus strand). Cytogenetic location: 17q21.31.
Variant type: single nucleotide variant.
Coding change: c.81+68G>A on transcript NM_000988.5 (MANE Select); 68 bases into the intron after coding-DNA position 81, G replaced by A.
Molecular consequence: intron variant.
Genome position (GRCh38, 1-based): chr17:42,998,899, G>A. VCF-style: chr17-42998899-G-A. GRCh37 (hg19) VCF-style: chr17-41150916-G-A.
Other names: c.81+68G>A (NM_001349921.2, NM_001349922.2).
Identifiers: ClinVar variation 2570988 (VCV002570988.27), dbSNP rs147562276, ClinGen allele CA8588908.